The following is an entry in ClinVar:

ClinVar aggregate classification (germline): Uncertain significance (1 of 4 stars; one submission).

Conditions:
T-B+ severe combined immunodeficiency due to JAK3 deficiency. Also called: SCID, autosomal recessive, T-negative/B-positive type; SCID, T CELL-NEGATIVE, B CELL-POSITIVE, NK CELL-NEGATIVE. Identifiers: Orphanet 35078, MedGen C1833275, MONDO:0010938, OMIM 600802.

Allele frequency attached by ClinVar (database versions not stated): TOPMed below 0.00001; gnomAD 0.00001.
gnomAD v4.1: 1 of 1,603,340 alleles (0.000062%); highest among the groups gnomAD compares: Non-Finnish European, 0.000085%; no homozygotes.

Submission:

Labcorp Genetics (formerly Invitae), Labcorp
Classification: Uncertain significance for T-B+ severe combined immunodeficiency due to JAK3 deficiency. Last evaluated: 2024-12-08. Review status: criteria provided, single submitter. Criteria: Invitae Variant Classification Sherloc (09022015). Collection method: clinical testing. Allele origin: germline.
Comment: This sequence change replaces methionine, which is neutral and non-polar, with valine, which is neutral and non-polar, at codon 937 of the JAK3 protein (p.Met937Val). This variant is not present in population databases (gnomAD no frequency). This variant has not been reported in the literature in individuals affected with JAK3-related conditions. ClinVar contains an entry for this variant (Variation ID: 1906681). Invitae Evidence Modeling of protein sequence and biophysical properties (such as structural, functional, and spatial information, amino acid conservation, physicochemical variation, residue mobility, and thermodynamic stability) indicates that this missense variant is expected to disrupt JAK3 protein function with a positive predictive value of 95%. In summary, the available evidence is currently insufficient to determine the role of this variant in disease. Therefore, it has been classified as a Variant of Uncertain Significance.

NM_000215.4(JAK3):c.2809A>G (p.Met937Val)

Gene: JAK3 (Janus kinase 3; minus strand). Cytogenetic location: 19p13.11.
Variant type: single nucleotide variant.
Coding change: c.2809A>G on transcript NM_000215.4 (MANE Select); coding-DNA position 2809, A replaced by G.
Protein change: p.Met937Val; replaces methionine 937 with valine.
Molecular consequence: missense variant.
Genome position (GRCh38, 1-based): chr19:17,831,397, T>C on the plus strand (A>G on the coding strand, the complement: JAK3 is on the minus strand). VCF-style: chr19-17831397-T-C. GRCh37 (hg19) VCF-style: chr19-17942206-T-C.
Other names: short protein forms M937V.
Identifiers: ClinVar variation 1906681 (VCV001906681.5), dbSNP rs2094214260, ClinGen allele CA404765503.
Genomic context (GRCh38, chr19:17,831,397, plus strand): 5'-CGAGGATGTTTCGGGCGGCCAGGTCGCGGTGCACGCAGCGGCGGGAGCCCAGGTACTCCA[T>C]GCCCTGCGGGCGGGCGGTGTGAGCGTGCAGAGAGGATCCCAGGATAATCCGGCAGGTACC-3'
Protein context (NP_000206.2, residues 927-947): LLYSSQICKG[Met937Val]EYLGSRRCVH